The following is an entry in ClinVar:

NM_003242.6(TGFBR2):c.15_25dup (p.Leu9fs)

Gene: TGFBR2 (transforming growth factor beta receptor 2; plus strand). Cytogenetic location: 3p24.1.
Variant type: Duplication.
Coding change: c.15_25dup on transcript NM_003242.6 (MANE Select); coding-DNA positions 15 to 25, 11 bases duplicated (GCTCAGGGGCC).
Protein change: p.Leu9fs; shifts the reading frame from leucine 9.
Molecular consequence: frameshift variant.
Genome position (GRCh38, 1-based): chr3:30,606,898-30,606,908, GCTCAGGGGCC duplicated. VCF-style (leftmost placement, unchanged base first): chr3-30606897-T-TGCTCAGGGGCC. GRCh37 (hg19) VCF-style: chr3-30648389-T-TGCTCAGGGGCC.
Other names: c.15_25dup, p.Leu9Argfs (NM_001024847.3, NM_001407126.1, NM_001407127.1 and 4 more transcripts); c.-269_-259dup (NM_001407133.1); c.-147_-137dup (NM_001407134.1); c.-194_-184dup (NM_001407135.1); c.-279_-269dup (NM_001407136.1); c.15_25dupGCTCAGGGGCC (NM_003242.5); c.15_25dup (NM_003242.5); short protein forms L9fs.
Identifiers: ClinVar variation 566446 (VCV000566446.9), dbSNP rs1559443652, ClinGen allele CA891842542.

ClinVar aggregate classification (germline): Conflicting classifications of pathogenicity. Review status: criteria provided, conflicting classifications (1 of 4 stars). 4 submissions from 4 submitters: Likely risk allele (1); Uncertain significance (3). Last evaluated 2025-05-21.

Conditions:
Diabetic retinopathy. Identifiers: MedGen C0011884, MONDO:0005266.
Loeys-Dietz syndrome 2 (LDS2). Also called: TGFBR2-Related Loeys-Dietz Syndrome; Marfan syndrome, type 2 (formerly); AORTIC ANEURYSM, FAMILIAL THORACIC 3; MARFAN SYNDROME, TYPE II; Marfan Syndrome type 2; Marfan like connective tissue disorder. Identifiers: Orphanet 284973, Orphanet 558, MedGen C2674574, MONDO:0012427, OMIM 610168.
Familial thoracic aortic aneurysm and aortic dissection (TAAD). Also called: Thoracic aortic aneurysms and dissections. Identifiers: Orphanet 91387, MedGen C4707243, MONDO:0019625.

Allele frequency attached by ClinVar (database versions not stated): gnomAD exomes 0.00001.

Submissions (4):

GeneDx
Classification: Uncertain significance. Last evaluated: 2025-05-21. Review status: criteria provided, single submitter. Criteria: GeneDx Variant Classification Process June 2021. Collection method: clinical testing. Allele origin: germline. Affected: yes.
Comment: Not observed at significant frequency in large population cohorts (gnomAD); Has not been previously published as pathogenic or benign to our knowledge; Frameshift variant predicted to result in protein truncation or nonsense mediated decay in a gene for which loss-of-function is not a known mechanism of disease

All of Us Research Program, National Institutes of Health
Classification: Uncertain significance for Loeys-Dietz syndrome 2. Last evaluated: 2024-01-11. Review status: criteria provided, single submitter. Criteria: ACMG Guidelines, 2015. Collection method: clinical testing. Allele origin: germline. Inheritance: Autosomal dominant inheritance. Observed: 1 variant allele, 1 heterozygote.
Comment: This study involves interpretation of variants in research participants for the purpose of population health screening. Participant phenotype was not available at the time of variant classification. Additional details can be found in publication PMID: 35346344, PMCID: PMC8962531

Labcorp Genetics (formerly Invitae), Labcorp
Classification: Uncertain significance for Familial thoracic aortic aneurysm and aortic dissection. Last evaluated: 2023-12-11. Review status: criteria provided, single submitter. Criteria: Invitae Variant Classification Sherloc (09022015). Collection method: clinical testing. Allele origin: germline.
Comment: This sequence change creates a premature translational stop signal (p.Leu9Argfs*32) in the TGFBR2 gene. It is expected to result in an absent or disrupted protein product. However, the current clinical and genetic evidence is not sufficient to establish whether loss-of-function variants in TGFBR2 cause disease. This variant is not present in population databases (gnomAD no frequency). This premature translational stop signal has been observed in individual(s) with clinical features of Loeys-Dietz syndrome (Invitae). ClinVar contains an entry for this variant (Variation ID: 566446). In summary, the available evidence is currently insufficient to determine the role of this variant in disease. Therefore, it has been classified as a Variant of Uncertain Significance.

Clinical Genomics, Uppaluri K&H Personalized Medicine Clinic
Classification: Likely risk allele for Diabetic retinopathy. Review status: criteria provided, single submitter. Criteria: K And H Uppaluri Personalized Medicine Clinic Variant Classification And Assertion Criteria Updated V 2. Collection method: research. Allele origin: unknown.
Comment: Potent mutations in TGFBR2 gene encodes the transforming growth factor that have been associated with angiogenesis and diabetic retinopathy. More clinical studies are needed for stronger association. However, more evidence is required to confer the association of this particular variant rs1559443652 with diabetic retinopathy.

Literature cited by the submitters: PubMed 30222965 (cited by Clinical Genomics, Uppaluri K&H Personalized Medicine Clinic); PubMed 28162229 (cited by Clinical Genomics, Uppaluri K&H Personalized Medicine Clinic); PubMed 34572573 (cited by Clinical Genomics, Uppaluri K&H Personalized Medicine Clinic).